The following is an entry in ClinVar:

ClinVar aggregate classification (germline): Uncertain significance (1 of 4 stars; one submission).

Conditions:
Congenital sideroblastic anemia-B-cell immunodeficiency-periodic fever-developmental delay syndrome. Also called: Sideroblastic anemia with B-cell immunodeficiency, periodic fevers, and developmental delay. Identifiers: Orphanet 369861, MedGen C4015172, MONDO:0014487, OMIM 616084.

Allele frequency attached by ClinVar (database versions not stated): gnomAD 0.00001.
gnomAD v4.1: 1 of 1,611,568 alleles (0.000062%); highest among the groups gnomAD compares: Non-Finnish European, 0.000085%; no homozygotes.

Submission:

Labcorp Genetics (formerly Invitae), Labcorp
Classification: Uncertain significance for Congenital sideroblastic anemia-B-cell immunodeficiency-periodic fever-developmental delay syndrome. Last evaluated: 2020-12-02. Review status: criteria provided, single submitter. Criteria: Invitae Variant Classification Sherloc (09022015). Collection method: clinical testing. Allele origin: germline.
Comment: This sequence change disrupts the translational stop signal of the TRNT1 mRNA. It is expected to extend the length of the TRNT1 protein by 2 additional amino acid residues. This variant is not present in population databases (ExAC no frequency). This variant has not been reported in the literature in individuals with TRNT1-related conditions. In summary, the available evidence is currently insufficient to determine the role of this variant in disease. Therefore, it has been classified as a Variant of Uncertain Significance.

NM_182916.3(TRNT1):c.1305A>C (p.Ter435Tyr)

Gene: TRNT1 (tRNA nucleotidyl transferase 1; plus strand). Cytogenetic location: 3p26.2.
Variant type: single nucleotide variant.
Coding change: c.1305A>C on transcript NM_182916.3 (MANE Select); coding-DNA position 1305, A replaced by C.
Protein change: p.Ter435Tyr.
Molecular consequence: stop lost. On other transcripts: non-coding transcript variant (8).
Genome position (GRCh38, 1-based): chr3:3,148,154, A>C. VCF-style: chr3-3148154-A-C. GRCh37 (hg19) VCF-style: chr3-3189838-A-C.
Other names: c.1245A>C, p.Ter415Tyr (NM_001302946.2); c.1305A>C, p.Ter435Tyr (NM_001367321.1, NM_001367322.1, NM_001367323.1).
Identifiers: ClinVar variation 1504557 (VCV001504557.8), dbSNP rs1312301408, ClinGen allele CA351449248.